The following is an entry in ClinVar:

ClinVar aggregate classification (germline): Conflicting classifications of pathogenicity. Review status: criteria provided, conflicting classifications (1 of 4 stars). 7 submissions from 7 submitters: Uncertain significance (1); Benign (2); Likely benign (3). 1 of the submissions does not count toward it. Last evaluated 2025-12-02.

Conditions:
PIEZO2-related disorder. Also called: PIEZO2-related condition; PIEZO2-related disorders.
Inborn genetic diseases. Identifiers: MedGen C0950123, MeSH D030342.

Allele frequency attached by ClinVar (database versions not stated): gnomAD 0.00024 and 0.00039; TOPMed 0.00039; gnomAD exomes 0.00058 and 0.00127; 1000 Genomes Project 30x 0.00125; 1000 Genomes Project 0.00180; ExAC 0.00289.
gnomAD v4.1: 880 of 1,537,410 alleles (0.057%); highest among the groups gnomAD compares: South Asian, 0.52%; 10 homozygotes.

Submissions (7):

Dasa
Classification: Benign. Last evaluated: 2025-12-02. Review status: criteria provided, single submitter. Criteria: DASA Assertion Criteria. Collection method: clinical testing. Allele origin: germline.
Comment: NM_001378183.1(PIEZO2):c.2755G>A (p.Glu919Lys) is a missense variant that results in the substitution of glutamic acid with lysine. Population frequency is inconsistent with a disease-causing role for this variant, and observations in unaffected individuals support a benign interpretation. Computational prediction algorithms are consistent with a benign effect. Therefore, based on the currently available evidence, this variant is classified as benign.

CeGaT Center for Human Genetics Tuebingen
Classification: Likely benign. Last evaluated: 2025-09-01. Review status: criteria provided, single submitter. Criteria: CeGaT Center For Human Genetics Tuebingen Variant Classification Criteria Version 2. Collection method: clinical testing. Allele origin: germline. Affected: yes. Observed: 2 variant alleles.
Comment: PIEZO2: BP4

Labcorp Genetics (formerly Invitae), Labcorp
Classification: Benign. Last evaluated: 2025-06-03. Review status: criteria provided, single submitter. Criteria: Invitae Variant Classification Sherloc (09022015). Collection method: clinical testing. Allele origin: germline.

Blueprint Genetics
Classification: Likely benign. Last evaluated: 2024-10-25. Review status: criteria provided, single submitter. Criteria: ACMG Guidelines, 2015. Collection method: clinical testing. Allele origin: germline.

Ambry Genetics
Classification: Uncertain significance for Inborn genetic diseases. Last evaluated: 2022-12-01. Review status: criteria provided, single submitter. Criteria: Ambry Variant Classification Scheme 2023. Collection method: clinical testing. Allele origin: germline.

GeneDx
Classification: Likely benign. Last evaluated: 2020-02-18. Review status: criteria provided, single submitter. Criteria: GeneDx Variant Classification Process June 2021. Collection method: clinical testing. Allele origin: germline. Affected: yes.

PreventionGenetics, part of Exact Sciences
Classification: Likely benign for PIEZO2-related condition. Last evaluated: 2019-08-06. Review status: no assertion criteria provided. Collection method: clinical testing. Allele origin: germline. Not counted in ClinVar's aggregate classification.
Comment: This variant is classified as likely benign based on ACMG/AMP sequence variant interpretation guidelines (Richards et al. 2015 PMID: 25741868, with internal and published modifications).

NM_001378183.1(PIEZO2):c.2755G>A (p.Glu919Lys)

Gene: PIEZO2 (piezo type mechanosensitive ion channel component 2; minus strand). Cytogenetic location: 18p11.22.
Variant type: single nucleotide variant.
Coding change: c.2755G>A on transcript NM_001378183.1 (MANE Select); coding-DNA position 2755, G replaced by A.
Protein change: p.Glu919Lys; replaces glutamic acid 919 with lysine.
Molecular consequence: missense variant.
Genome position (GRCh38, 1-based): chr18:10,773,442, C>T on the plus strand (G>A on the coding strand, the complement: PIEZO2 is on the minus strand). VCF-style: chr18-10773442-C-T. GRCh37 (hg19) VCF-style: chr18-10773440-C-T.
Other names: c.2680G>A, p.Glu894Lys (NM_022068.4); c.2680G>A (NM_022068.3); short protein forms E894K, E919K.
Identifiers: ClinVar variation 444424 (VCV000444424.55), dbSNP rs564867814, ClinGen allele CA8892623.